The following is an entry in ClinVar:

NM_015158.5(KANK1):c.1322C>T (p.Thr441Ile)

Gene: KANK1 (KN motif and ankyrin repeat domains 1; plus strand). Cytogenetic location: 9p24.3.
Variant type: single nucleotide variant.
Coding change: c.1322C>T on transcript NM_015158.5 (MANE Select); coding-DNA position 1322, C replaced by T.
Protein change: p.Thr441Ile; replaces threonine 441 with isoleucine.
Molecular consequence: missense variant. On other transcripts: non-coding transcript variant (1).
Genome position (GRCh38, 1-based): chr9:712,088, C>T. VCF-style: chr9-712088-C-T. GRCh37 (hg19) VCF-style: chr9-712088-C-T.
Other names: c.1322C>T, p.Thr441Ile (NM_001256876.3, NM_001256877.3, NM_001354331.2 and 2 more transcripts); c.848C>T, p.Thr283Ile (NM_001354333.2, NM_001354335.2, NM_001354336.2 and 9 more transcripts); short protein forms T441I, T283I.
Identifiers: ClinVar variation 1359455 (VCV001359455.8), dbSNP rs2130936623, ClinGen allele CA372747972.

ClinVar aggregate classification (germline): Uncertain significance (1 of 4 stars; one submission).

gnomAD v4.1: 1 of 1,614,144 alleles (0.000062%); highest among the groups gnomAD compares: Non-Finnish European, 0.000085%; no homozygotes.

Submission:

Labcorp Genetics (formerly Invitae), Labcorp
Classification: Uncertain significance. Last evaluated: 2025-01-27. Review status: criteria provided, single submitter. Criteria: Invitae Variant Classification Sherloc (09022015). Collection method: clinical testing. Allele origin: germline.
Comment: This sequence change replaces threonine, which is neutral and polar, with isoleucine, which is neutral and non-polar, at codon 441 of the KANK1 protein (p.Thr441Ile). This variant is not present in population databases (gnomAD no frequency). This variant has not been reported in the literature in individuals affected with KANK1-related conditions. ClinVar contains an entry for this variant (Variation ID: 1359455). Invitae Evidence Modeling of protein sequence and biophysical properties (such as structural, functional, and spatial information, amino acid conservation, physicochemical variation, residue mobility, and thermodynamic stability) has been performed for this missense variant. However, the output from this modeling did not meet the statistical confidence thresholds required to predict the impact of this variant on KANK1 protein function. In summary, the available evidence is currently insufficient to determine the role of this variant in disease. Therefore, it has been classified as a Variant of Uncertain Significance.